The following is an entry in ClinVar:

NM_005235.3(ERBB4):c.421+58A>G

Gene: ERBB4 (erb-b2 receptor tyrosine kinase 4; minus strand). Cytogenetic location: 2q34.
Variant type: single nucleotide variant.
Coding change: c.421+58A>G on transcript NM_005235.3 (MANE Select); 58 bases into the intron after coding-DNA position 421, A replaced by G.
Molecular consequence: intron variant.
Genome position (GRCh38, 1-based): chr2:211,947,372, T>C on the plus strand (A>G on the coding strand, the complement: ERBB4 is on the minus strand). VCF-style: chr2-211947372-T-C. GRCh37 (hg19) VCF-style: chr2-212812097-T-C.
Other names: NC_000002.11:g.212812097T>C; c.421+58A>G (NM_001042599.2, NM_001439006.1, NM_001439005.1).
Identifiers: ClinVar variation 1273302 (VCV001273302.5), dbSNP rs839541, ClinGen allele CA15166101.

ClinVar aggregate classification (germline): Benign. Review status: criteria provided, multiple submitters, no conflicts (2 of 4 stars). 3 submissions from 3 submitters: Benign (3). Last evaluated 2024-07-15.

Allele frequency attached by ClinVar (database versions not stated): gnomAD exomes 0.25869; gnomAD 0.28333 and 0.28872; TOPMed 0.30128; 1000 Genomes Project 0.35503; 1000 Genomes Project 30x 0.35696.
gnomAD v4.1: 355,732 of 1,355,306 alleles (26%); highest among the groups gnomAD compares: South Asian, 41%; 50,225 homozygotes.

Submissions (4):

Unidad de Genómica Garrahan, Hospital de Pediatría Garrahan
Classification: Benign. Last evaluated: 2024-07-15. Review status: criteria provided, single submitter. Criteria: ACMG Guidelines, 2015. Collection method: clinical testing. Allele origin: germline. Affected: no. Observed: 35 variant alleles.
Comment: This variant is classified as Benign based on local population frequency. This variant was detected in 38% of patients studied in a panel designed for Epileptic and Developmental Encephalopathy and Progressive Myoclonus Epilepsy. Number of patients: 35. Only high quality variants are reported.

GeneDx
Classification: Benign. Last evaluated: 2021-05-11. Review status: criteria provided, single submitter. Criteria: GeneDx Variant Classification Process June 2021. Collection method: clinical testing. Allele origin: germline. Affected: yes.

Breakthrough Genomics
Classification: Benign. Review status: criteria provided, single submitter. Criteria: ACMG Guidelines, 2015. Collection method: not provided. Allele origin: germline. Inheritance: Autosomal dominant inheritance. Affected: yes.

Dr. Peter K. Rogan Lab, Western University
No classification provided (evidence only). Condition: Familial cancer of breast. Review status: no classification provided. Collection method: in vitro. Allele origin: not applicable. Functional consequence: retained intron. Not counted in ClinVar's aggregate classification.